The following is an entry in ClinVar:

NM_000020.3(ACVRL1):c.362_374del (p.Leu121fs)

Gene: ACVRL1 (activin A receptor like type 1; plus strand). Cytogenetic location: 12q13.13.
Variant type: Deletion.
Coding change: c.362_374del on transcript NM_000020.3 (MANE Select); coding-DNA positions 362 to 374, 13 bases deleted (TGATCCTGGGCCC).
Protein change: p.Leu121fs; shifts the reading frame from leucine 121.
Molecular consequence: frameshift variant.
Genome position (GRCh38, 1-based): chr12:51,913,607-51,913,619, TGATCCTGGGCCC deleted; deleting any 13 consecutive bases within chr12:51,913,602-51,913,619 gives the same sequence; the c. name uses the placement nearest the transcript's 3' end. VCF-style (leftmost placement, unchanged base first): chr12-51913601-TGGCCCTGATCCTG-T. GRCh37 (hg19) VCF-style: chr12-52307385-TGGCCCTGATCCTG-T.
Other names: c.362_374del, p.Leu121fs (NM_001077401.2); short protein forms L121fs.
Identifiers: ClinVar variation 1069624 (VCV001069624.7), dbSNP rs2139067065, ClinGen allele CA2499221745.

ClinVar aggregate classification (germline): Pathogenic (1 of 4 stars; one submission).

Conditions:
Telangiectasia, hereditary hemorrhagic, type 2 (HHT2). Also called: Telangiectasia, hereditary hemorrhagic, type II; ACVRL1-Related Hereditary Hemorrhagic Telangiectasia. Identifiers: Orphanet 774, MedGen C1838163, MONDO:0010880, OMIM 600376. Disease mechanism: loss of function.

Submission:

Labcorp Genetics (formerly Invitae), Labcorp
Classification: Pathogenic for Telangiectasia, hereditary hemorrhagic, type 2. Last evaluated: 2020-03-09. Review status: criteria provided, single submitter. Criteria: Invitae Variant Classification Sherloc (09022015). Collection method: clinical testing. Allele origin: germline.
Comment: For these reasons, this variant has been classified as Pathogenic. Loss-of-function variants in ACVRL1 are known to be pathogenic (PMID: 15879500). This variant has not been reported in the literature in individuals with ACVRL1-related conditions. This variant is not present in population databases (ExAC no frequency). This sequence change creates a premature translational stop signal (p.Leu121Profs*40) in the ACVRL1 gene. It is expected to result in an absent or disrupted protein product.

Literature cited by the submitters: PubMed 15879500.